The following is an entry in ClinVar:

ClinVar aggregate classification (germline): Likely benign. Review status: criteria provided, multiple submitters, no conflicts (2 of 4 stars). 5 submissions from 5 submitters: Likely benign (5). Last evaluated 2025-09-28.

Conditions:
Hereditary cancer-predisposing syndrome. Also called: Neoplastic Syndromes, Hereditary; Tumor predisposition; Hereditary Cancer Syndrome; Hereditary neoplastic syndrome. Identifiers: Orphanet 140162, MedGen C0027672, MeSH D009386, MONDO:0015356.

gnomAD v4.1: 10 of 1,614,118 alleles (0.00062%); highest among the groups gnomAD compares: African/African-American, 0.0013%; no homozygotes.

Submissions (5):

Labcorp Genetics (formerly Invitae), Labcorp
Classification: Likely benign. Last evaluated: 2025-09-28. Review status: criteria provided, single submitter. Criteria: Invitae Variant Classification Sherloc (09022015). Collection method: clinical testing. Allele origin: germline.

Sema4
Classification: Likely benign for Hereditary cancer-predisposing syndrome. Last evaluated: 2021-03-28. Review status: criteria provided, single submitter. Criteria: Sema4 Curation Guidelines. Collection method: curation. Allele origin: germline.

Quest Diagnostics Nichols Institute San Juan Capistrano
Classification: Likely benign. Last evaluated: 2018-10-09. Review status: criteria provided, single submitter. Criteria: Quest Diagnostics criteria. Collection method: clinical testing. Allele origin: germline.

GeneDx
Classification: Likely benign. Last evaluated: 2017-02-20. Review status: criteria provided, single submitter. Criteria: GeneDx Variant Classification (06012015). Collection method: clinical testing. Allele origin: germline. Affected: yes.
Comment: This variant is considered likely benign or benign based on one or more of the following criteria: it is a conservative change, it occurs at a poorly conserved position in the protein, it is predicted to be benign by multiple in silico algorithms, and/or has population frequency not consistent with disease.

Ambry Genetics
Classification: Likely benign for Hereditary cancer-predisposing syndrome. Last evaluated: 2016-03-11. Review status: criteria provided, single submitter. Criteria: Ambry Variant Classification Scheme 2023. Collection method: clinical testing. Allele origin: germline.

NM_006231.4(POLE):c.510C>T (p.Ile170=)

Gene: POLE (DNA polymerase epsilon, catalytic subunit; minus strand). Cytogenetic location: 12q24.33.
Variant type: single nucleotide variant.
Coding change: c.510C>T on transcript NM_006231.4 (MANE Select); coding-DNA position 510, C replaced by T.
Protein change: p.Ile170=; no amino-acid change (isoleucine 170 retained).
Molecular consequence: synonymous variant.
Genome position (GRCh38, 1-based): chr12:132,679,565, G>A on the plus strand (C>T on the coding strand, the complement: POLE is on the minus strand). VCF-style: chr12-132679565-G-A. GRCh37 (hg19) VCF-style: chr12-133256151-G-A.
Identifiers: ClinVar variation 473711 (VCV000473711.19), dbSNP rs374074035, ClinGen allele CA6894300.